The following is an entry in ClinVar:

NM_004006.3(DMD):c.8087T>G (p.Leu2696Arg)

Gene: DMD (dystrophin; minus strand). Cytogenetic location: Xp21.1.
Variant type: single nucleotide variant.
Coding change: c.8087T>G on transcript NM_004006.3 (MANE Select); coding-DNA position 8087, T replaced by G.
Protein change: p.Leu2696Arg; replaces leucine 2696 with arginine.
Molecular consequence: missense variant.
Genome position (GRCh38, 1-based): chrX:31,627,803, A>C on the plus strand (T>G on the coding strand, the complement: DMD is on the minus strand). VCF-style: chrX-31627803-A-C. GRCh37 (hg19) VCF-style: chrX-31645920-A-C.
Other names: c.8063T>G, p.Leu2688Arg (NM_000109.4); c.8075T>G, p.Leu2692Arg (NM_004009.3); c.7718T>G, p.Leu2573Arg (NM_004010.3); c.4064T>G, p.Leu1355Arg (NM_004011.4); c.4055T>G, p.Leu1352Arg (NM_004012.4); c.707T>G, p.Leu236Arg (NM_004013.3, NM_004020.4, NM_004021.3 and 2 more transcripts); short protein forms L1352R, L1355R, L236R, L2573R, L2688R, L2692R, L2696R.
Identifiers: ClinVar variation 4066470 (VCV004066470.2).

ClinVar aggregate classification (germline): Uncertain significance. Review status: criteria provided, single submitter (1 of 4 stars). 2 submissions from 2 submitters: Uncertain significance (1). 1 of the submissions does not count toward it. Last evaluated 2026-03-23.

Conditions:
Cardiovascular phenotype. Identifiers: MedGen CN230736.
Becker muscular dystrophy, Cardiomyopathy, Duchenne muscular dystrophy, Dystrophin deficiency.

gnomAD v4.1: 11 of 1,211,039 alleles (0.00091%); highest among the groups gnomAD compares: Non-Finnish European, 0.0012%; no homozygotes.

Submissions (2):

Ambry Genetics
Classification: Uncertain significance for Cardiovascular phenotype. Last evaluated: 2026-03-23. Review status: criteria provided, single submitter. Criteria: Ambry Variant Classification Scheme 2023. Collection method: clinical testing. Allele origin: germline.
Comment: The p.L2696R variant (also known as c.8087T>G), located in coding exon 55 of the DMD gene, results from a T to G substitution at nucleotide position 8087. The leucine at codon 2696 is replaced by arginine, an amino acid with dissimilar properties. This amino acid position is conserved. In addition, the in silico prediction for this alteration is inconclusive. Based on the available evidence, the clinical significance of this variant remains unclear.

Natera, Inc.
Classification: Uncertain significance for Becker muscular dystrophy, Cardiomyopathy, Duchenne muscular dystrophy, Dystrophin deficiency. Last evaluated: 2025-01-29. Review status: no assertion criteria provided. Collection method: clinical testing. Allele origin: germline. Not counted in ClinVar's aggregate classification.